The following is an entry in ClinVar:

ClinVar aggregate classification (germline): Uncertain significance (1 of 4 stars; one submission).

gnomAD v4.1: 120 of 1,614,086 alleles (0.0074%); highest among the groups gnomAD compares: Non-Finnish European, 0.0097%; no homozygotes.

Submission:

Labcorp Genetics (formerly Invitae), Labcorp
Classification: Uncertain significance. Last evaluated: 2025-10-12. Review status: criteria provided, single submitter. Criteria: Invitae Variant Classification Sherloc (09022015). Collection method: clinical testing. Allele origin: germline.
Comment: This sequence change replaces isoleucine, which is neutral and non-polar, with valine, which is neutral and non-polar, at codon 465 of the YAP1 protein (p.Ile465Val). This variant is present in population databases (rs201772622, gnomAD 0.009%). This variant has not been reported in the literature in individuals affected with YAP1-related conditions. ClinVar contains an entry for this variant (Variation ID: 3632974). Invitae Evidence Modeling of protein sequence and biophysical properties (such as structural, functional, and spatial information, amino acid conservation, physicochemical variation, residue mobility, and thermodynamic stability) indicates that this missense variant is not expected to disrupt YAP1 protein function with a negative predictive value of 80%. In summary, the available evidence is currently insufficient to determine the role of this variant in disease. Therefore, it has been classified as a Variant of Uncertain Significance.

NM_001130145.3(YAP1):c.1393A>G (p.Ile465Val)

Gene: YAP1 (Yes1 associated transcriptional regulator; plus strand). Cytogenetic location: 11q22.1.
Variant type: single nucleotide variant.
Coding change: c.1393A>G on transcript NM_001130145.3 (MANE Select); coding-DNA position 1393, A replaced by G.
Protein change: p.Ile465Val; replaces isoleucine 465 with valine.
Molecular consequence: missense variant.
Genome position (GRCh38, 1-based): chr11:102,229,818, A>G. VCF-style: chr11-102229818-A-G. GRCh37 (hg19) VCF-style: chr11-102100549-A-G.
Other names: c.1345A>G, p.Ile449Val (NM_001195044.2); c.859A>G, p.Ile287Val (NM_001195045.2); c.1279A>G, p.Ile427Val (NM_001282097.2); c.1243A>G, p.Ile415Val (NM_001282098.2); c.1291A>G, p.Ile431Val (NM_001282099.2); c.1357A>G, p.Ile453Val (NM_001282100.2); c.1405A>G, p.Ile469Val (NM_001282101.2); c.1231A>G, p.Ile411Val (NM_006106.5); short protein forms I427V, I453V, I287V, I411V, I431V, I465V, I415V, I449V.
Identifiers: ClinVar variation 3632974 (VCV003632974.2).